The following is an entry in ClinVar:

ClinVar aggregate classification (germline): Uncertain significance (1 of 4 stars; one submission).

Allele frequency attached by ClinVar (database versions not stated): ESP Exome Variant Server 0.00008.
gnomAD v4.1: 150 of 1,613,584 alleles (0.0093%); highest among the groups gnomAD compares: Middle Eastern, 0.38%; 1 homozygote.

Submission:

Labcorp Genetics (formerly Invitae), Labcorp
Classification: Uncertain significance. Last evaluated: 2024-02-16. Review status: criteria provided, single submitter. Criteria: Invitae Variant Classification Sherloc (09022015). Collection method: clinical testing. Allele origin: germline.
Comment: This sequence change replaces proline, which is neutral and non-polar, with histidine, which is basic and polar, at codon 62 of the MRPL12 protein (p.Pro62His). This variant is present in population databases (rs202006132, gnomAD 0.02%). This variant has not been reported in the literature in individuals affected with MRPL12-related conditions. ClinVar contains an entry for this variant (Variation ID: 2185079). An algorithm developed to predict the effect of missense changes on protein structure and function (PolyPhen-2) suggests that this variant is likely to be disruptive. In summary, the available evidence is currently insufficient to determine the role of this variant in disease. Therefore, it has been classified as a Variant of Uncertain Significance.

NM_002949.4(MRPL12):c.185C>A (p.Pro62His)

Gene: MRPL12 (mitochondrial ribosomal protein L12; plus strand). Cytogenetic location: 17q25.3.
Variant type: single nucleotide variant.
Coding change: c.185C>A on transcript NM_002949.4 (MANE Select); coding-DNA position 185, C replaced by A.
Protein change: p.Pro62His; replaces proline 62 with histidine.
Molecular consequence: missense variant.
Genome position (GRCh38, 1-based): chr17:81,704,354, C>A. VCF-style: chr17-81704354-C-A. GRCh37 (hg19) VCF-style: chr17-79671384-C-A.
Other names: short protein forms P62H.
Identifiers: ClinVar variation 2185079 (VCV002185079.4), dbSNP rs202006132, ClinGen allele CA8841277.